The following is an entry in ClinVar:

NM_032119.4(ADGRV1):c.4399G>A (p.Gly1467Arg)

Gene: ADGRV1 (adhesion G protein-coupled receptor V1; plus strand). Cytogenetic location: 5q14.3.
Variant type: single nucleotide variant.
Coding change: c.4399G>A on transcript NM_032119.4 (MANE Select); coding-DNA position 4399, G replaced by A.
Protein change: p.Gly1467Arg; replaces glycine 1467 with arginine.
Molecular consequence: missense variant. On other transcripts: non-coding transcript variant (1).
Genome position (GRCh38, 1-based): chr5:90,657,925, G>A. VCF-style: chr5-90657925-G-A. GRCh37 (hg19) VCF-style: chr5-89953742-G-A.
Other names: p.Gly1467Arg; short protein forms G1467R.
Identifiers: ClinVar variation 2682894 (VCV002682894.4), dbSNP rs2532127737, ClinGen allele CA360403464.

ClinVar aggregate classification (germline): Uncertain significance. Review status: criteria provided, multiple submitters, no conflicts (2 of 4 stars). 2 submissions from 2 submitters: Uncertain significance (2). Last evaluated 2023-11-14.

Submissions (2):

Labcorp Genetics (formerly Invitae), Labcorp
Classification: Uncertain significance. Last evaluated: 2023-11-14. Review status: criteria provided, single submitter. Criteria: Invitae Variant Classification Sherloc (09022015). Collection method: clinical testing. Allele origin: germline.
Comment: This sequence change replaces glycine, which is neutral and non-polar, with arginine, which is basic and polar, at codon 1467 of the ADGRV1 protein (p.Gly1467Arg). This variant is not present in population databases (gnomAD no frequency). This variant has not been reported in the literature in individuals affected with ADGRV1-related conditions. Advanced modeling of protein sequence and biophysical properties (such as structural, functional, and spatial information, amino acid conservation, physicochemical variation, residue mobility, and thermodynamic stability) has been performed at Invitae for this missense variant, however the output from this modeling did not meet the statistical confidence thresholds required to predict the impact of this variant on ADGRV1 protein function. In summary, the available evidence is currently insufficient to determine the role of this variant in disease. Therefore, it has been classified as a Variant of Uncertain Significance.

Mayo Clinic Laboratories, Mayo Clinic
Classification: Uncertain significance. Last evaluated: 2021-11-24. Review status: criteria provided, single submitter. Criteria: ACMG Guidelines, 2015. Collection method: clinical testing. Allele origin: germline. Observed: 1 variant allele.
Comment: PM2, PM3